The following is an entry in ClinVar:

ClinVar aggregate classification (germline): Uncertain significance (1 of 4 stars; one submission).

Conditions:
Nemaline myopathy 5 (NEM5A). Also called: Nemaline myopathy 5, Amish type; NEMALINE MYOPATHY 5A, AUTOSOMAL RECESSIVE, SEVERE INFANTILE; NEMALINE MYOPATHY, AMISH TYPE. Identifiers: Orphanet 98902, MedGen C1854380, MONDO:0011539, OMIM 605355.

Submission:

Labcorp Genetics (formerly Invitae), Labcorp
Classification: Uncertain significance for Nemaline myopathy 5. Last evaluated: 2023-05-23. Review status: criteria provided, single submitter. Criteria: Invitae Variant Classification Sherloc (09022015). Collection method: clinical testing. Allele origin: germline.
Comment: In summary, the available evidence is currently insufficient to determine the role of this variant in disease. Therefore, it has been classified as a Variant of Uncertain Significance. Variants that disrupt the consensus splice site are a relatively common cause of aberrant splicing (PMID: 17576681, 9536098). Algorithms developed to predict the effect of sequence changes on RNA splicing suggest that this variant is not likely to affect RNA splicing. ClinVar contains an entry for this variant (Variation ID: 2069922). This variant has not been reported in the literature in individuals affected with TNNT1-related conditions. This variant is not present in population databases (gnomAD no frequency). This sequence change falls in intron 3 of the TNNT1 gene. It does not directly change the encoded amino acid sequence of the TNNT1 protein. It affects a nucleotide within the consensus splice site.

Literature cited by the submitters: PubMed 17576681; PubMed 9536098.

NM_003283.6(TNNT1):c.46+6T>C

Gene: TNNT1 (troponin T1, slow skeletal type; minus strand). Cytogenetic location: 19q13.42.
Variant type: single nucleotide variant.
Coding change: c.46+6T>C on transcript NM_003283.6 (MANE Select); 6 bases into the intron after coding-DNA position 46, T replaced by C.
Molecular consequence: intron variant.
Genome position (GRCh38, 1-based): chr19:55,147,002, A>G on the plus strand (T>C on the coding strand, the complement: TNNT1 is on the minus strand). VCF-style: chr19-55147002-A-G. GRCh37 (hg19) VCF-style: chr19-55658370-A-G.
Other names: c.46+6T>C (NM_001126133.3, NM_001126132.3, NM_001291774.2).
Identifiers: ClinVar variation 2069922 (VCV002069922.4), dbSNP rs2515474239, ClinGen allele CA2580097807.
Genomic context (GRCh38, chr19:55,147,002, plus strand): 5'-CGCCTCCCCTCCCAAGAGCTCCTGGGCGTGTCCCCATCCCATAGGGCCGGCCCACTCCCT[A>G]CTCACCTTCCGGCTGCTCCCTGCGGACGGGTGTGGGGAGAGAGGAGGGAGGGGAGAGTTA-3'